The following is an entry in ClinVar:

NC_000008.10:g.(?_100443745)_(100454883_?)del

Gene: VPS13B (vacuolar protein sorting 13 homolog B; plus strand). Cytogenetic location: 8q22.2.
Variant type: Deletion.
Identifiers: ClinVar variation 2426385 (VCV002426385.3).

ClinVar aggregate classification (germline): Uncertain significance (1 of 4 stars; one submission).

Conditions:
Cohen syndrome (COH1). Also called: Cutis verticis gyrata, retinitis pigmentosa, and sensorineural deafness; PEPPER SYNDROME. Identifiers: Orphanet 193, MedGen C0265223, MONDO:0008999, OMIM 216550.

Submission:

Labcorp Genetics (formerly Invitae), Labcorp
Classification: Uncertain significance for Cohen syndrome. Last evaluated: 2022-03-04. Review status: criteria provided, single submitter. Criteria: Invitae Variant Classification Sherloc (09022015). Collection method: clinical testing. Allele origin: germline.
Comment: This variant is a gross deletion of the genomic region encompassing exon(s) 22-23 of the VPS13B gene. This variant would be expected to be in-frame, preserving the integrity of the reading frame. This variant has not been reported in the literature in individuals affected with VPS13B-related conditions. Experimental studies and prediction algorithms are not available or were not evaluated, and the functional significance of this variant is currently unknown. In summary, the available evidence is currently insufficient to determine the role of this variant in disease. Therefore, it has been classified as a Variant of Uncertain Significance.